The following is an entry in ClinVar:

ClinVar aggregate classification (germline): Conflicting classifications of pathogenicity. Review status: criteria provided, conflicting classifications (1 of 4 stars). 44 submissions from 42 submitters: Likely pathogenic (14); Established risk allele (1); Uncertain significance (22). 7 of the submissions do not count toward it. Last evaluated 2026-08-25.
ClinVar aggregate classification (oncogenicity): Uncertain significance (1 of 4 stars; one submission).

Conditions:
CHEK2-related disorder.
CHEK2-related cancer predisposition (TPDS4). Also called: TUMOR PREDISPOSITION SYNDROME 4; CANCER PREDISPOSITION SYNDROME, CHEK2-RELATED; CHEK2-related cancer susceptibility. Identifiers: Orphanet 524, MedGen C5882668, MONDO:0700271, OMIM 609265.
Bone osteosarcoma. Also called: Osteosarcoma, somatic. Identifiers: Orphanet 668, MedGen C0585442, MONDO:0002629, OMIM 259500.
Familial prostate cancer. Also called: Hereditary Prostate Cancer. Identifiers: MedGen C2931456, MONDO:0700275, OMIM 176807.
Predisposition to cancer.
Breast and/or ovarian cancer. Identifiers: MedGen CN221562.
Hereditary cancer-predisposing syndrome. Also called: Neoplastic Syndromes, Hereditary; Hereditary neoplastic syndrome; Hereditary Cancer Syndrome; Tumor predisposition. Identifiers: Orphanet 140162, MedGen C0027672, MeSH D009386, MONDO:0015356.
Hereditary breast ovarian cancer syndrome. Also called: Breast and ovarian cancer; Hereditary breast and/or ovarian cancer syndrome; Hereditary breast and ovarian cancer syndrome; Hereditary breast and ovarian cancer syndrome (HBOC); Hereditary breast and ovarian cancer; BRCA1- and BRCA2-Associated Hereditary Breast and Ovarian Cancer. Identifiers: Orphanet 145, MedGen C0677776, MeSH D061325, MONDO:0003582. Disease mechanism: loss of function.
Breast and colorectal cancer, susceptibility to. Also called: HBCC, susceptibility to. Identifiers: MedGen CN068920.
Familial cancer of breast. Also called: BREAST CANCER, FAMILIAL; hereditary breast carcinoma; Hereditary breast cancer. Identifiers: Orphanet 227535, MedGen C0346153, MONDO:0016419, OMIM 114480. Disease mechanism: loss of function.
Malignant tumor of breast. Also called: Cancer breast; Malignant breast neoplasm. Identifiers: MedGen C0006142, MONDO:0007254. Disease mechanism: loss of function.
Neoplasm. Also called: Neoplasms; Neoplasm (disease); tumor. Identifiers: MedGen C0027651, MeSH D009369, MONDO:0005070, HP:0002664.

Allele frequency attached by ClinVar (database versions not stated): gnomAD 0.00015; ExAC 0.00016; gnomAD exomes 0.00016 and 0.00018; TOPMed 0.00016; ESP Exome Variant Server 0.00046.
gnomAD v4.1: 272 of 1,613,790 alleles (0.017%); highest among the groups gnomAD compares: Non-Finnish European, 0.022%; no homozygotes.

Submissions 1 to 8 of 45:

Center for Genomic Medicine, Rigshospitalet, Copenhagen University Hospital
Classification: Uncertain significance for Neoplasm. Last evaluated: 2026-10-16. Review status: criteria provided, single submitter. Criteria: ClinGen/CGC/VICC Guidelines for Oncogenicity, 2022. Collection method: clinical testing. Allele origin: somatic. Affected: yes.

PreventionGenetics, part of Exact Sciences
Classification: Likely pathogenic for CHEK2-related condition. Last evaluated: 2026-08-25. Review status: criteria provided, single submitter. Criteria: ACMG Guidelines, 2015. Collection method: clinical testing. Allele origin: germline.
Comment: The CHEK2 c.190G>A variant is predicted to result in the amino acid substitution p.Glu64Lys. This variant has been reported in individuals with a personal or family history of prostate, breast, ovarian, and colon cancer (Dong et al. 2003. PubMed ID: 12533788; Table S7, Gonzalez-Garay et al. 2013. PubMed ID: 24082139; Table1, Wu et al. 2006. PubMed ID: 16835864; Desrichard et al. 2011. PubMed ID: 22114986; Table S1, Susswein et al. 2015. PubMed ID: 26681312; Supp. Table 4, Kraus et al. 2016. PubMed ID: 27616075; Table A4, Yurgelun et al. 2017. PubMed ID: 28135145). Functional studies suggest this variant may negatively affect cellular response to DNA damage (Roeb. 2012. PubMed ID: 22419737) and partially reduce CHEK2 kinase activity (Wu et al. 2006. PubMed ID: 16835864). However, studies using a yeast functional assay to assess DNA damage response suggests this variant may be benign (Table 1, Delimitsou et al. 2019. PubMed ID: 30851065). An internal summary of amino acid substitution prediction programs gives conflicting predictions for the p.Glu64Lys change (Liu et al. 2016. PMID: 26555599). This variant has been observed in up to 0.03% of individuals of European (non-Finnish) descent in the gnomAD database. In ClinVar, this variant has conflicting interpretations of pathogenicity ranging from likely pathogenic to uncertain significance (Variation ID: 128068). Based on the current available evidence we classify this variant as likely pathogenic.

Praxis Für Humangenetik, Biosciencia MVZ Labor Saar
Classification: Uncertain significance for Hereditary cancer-predisposing syndrome. Last evaluated: 2026-05-07. Review status: criteria provided, single submitter. Criteria: ACMG Guidelines, 2015. Collection method: clinical testing. Allele origin: germline.
Comment: PS2, BS1

Ambry Genetics
Classification: Established risk allele for Hereditary cancer-predisposing syndrome. Last evaluated: 2026-03-16. Review status: criteria provided, single submitter. Criteria: Ambry Variant Classification Scheme 2023. Collection method: clinical testing. Allele origin: germline.
Comment: The p.E64K variant (also known as c.190G>A), located in coding exon 1 of the CHEK2 gene, results from a G to A substitution at nucleotide position 190. The glutamic acid at codon 64 is replaced by lysine, an amino acid with similar properties. This alteration has been detected in multiple cohorts of individuals diagnosed with breast, ovarian and prostate cancer (Dong X et al. Am. J. Hum. Genet. 2003 Feb;72:270-80; Wu X et al. Hum. Mutat. 2006 Aug;27:742-7; Desrichard A et al. Breast Cancer Res. 2011;13:R119; Tung N et al. J. Clin. Oncol. 2016 May;34:1460-8; Susswein LR et al. Genet. Med. 2016 Aug;18:823-32; Kraus C et al. Int. J. Cancer. 2017 Jan;140:95-102; Tsaousis GN et al. BMC Cancer. 2019 Jun;19:535; Tsai GJ et al. Genet. Med. 2019 06;21:1435-1442; Girard E et al. Int. J. Cancer. 2019 04;144:1962-1974). Case-control studies have reported an increased risk of breast cancer for individuals carrying this variant with odds ratios ranging from 1.56-3.06 (Dorling et al. N Engl J Med 2021 02;384:428-439; Stolarova L et al. Clin Cancer Res. 2023 Aug;29(16):3037-3050; Ambry internal data). This variant was predicted to be deleterious in a cohort of individuals with known personal and family cancer histories (external communication). Functional studies conducted in multiple model systems have conflicting results as to the effect this protein has on substrate phosphorylation and DNA damage response (Wu X et al. Hum. Mutat. 2006 Aug;27:742-7; Roeb W et al. Hum. Mol. Genet. 2012 Jun;21:2738-44; Delimitsou A et al. Hum. Mutat. 2019 05;40:631-648; Kleiblova P et al. Int. J. Cancer. 2019 10;145:1782-1797; Boonen RACM et al. Cancer Res. 2022 Feb;82(4):615-631; Stolarova L et al. Clin Cancer Res. 2023 Aug;29(16):3037-3050). This amino acid position is poorly conserved in available vertebrate species. The in silico prediction for this alteration is inconclusive. Structural analysis indicates that this variant is deleterious (Ambry internal data). Based on the majority of available evidence to date, this variant is interpreted as a moderate risk mutation, also referred to as an established risk allele.

St. Jude Molecular Pathology, St. Jude Children's Research Hospital
Classification: Likely pathogenic for Predisposition to cancer. Last evaluated: 2026-02-11. Review status: criteria provided, single submitter. Criteria: St. Jude Assertion Criteria 2020. Collection method: clinical testing. Allele origin: germline.
Comment: DO NOT SUBMIT

Catlab - Consorci Sanitari de Terrassa
Classification: Uncertain significance for Hereditary cancer-predisposing syndrome. Last evaluated: 2026-01-28. Review status: criteria provided, single submitter. Criteria: CanVIG CHEK2 V1.3. Collection method: clinical testing. Allele origin: germline.
Comment: Based on the currently available information, this variant is classified as Uncertain Significance according to CanVIG-CHEK2 v1.3 guidelines. ACMG criteria: PS4, BP4 (point system classification).

Labcorp Genetics (formerly Invitae), Labcorp
Classification: Likely pathogenic for Familial cancer of breast. Last evaluated: 2026-01-26. Review status: criteria provided, single submitter. Criteria: Invitae Variant Classification Sherloc (09022015). Collection method: clinical testing. Allele origin: germline.
Comment: This sequence change replaces glutamic acid, which is acidic and polar, with lysine, which is basic and polar, at codon 64 of the CHEK2 protein (p.Glu64Lys). This variant is present in population databases (rs141568342, gnomAD 0.03%), and has an allele count higher than expected for a pathogenic variant. This missense change has been observed in individual(s) with a personal and/or family history of breast, prostate, ovarian, colorectal, thyroid, and pancreatic cancer (PMID: 12533788, 22114986, 24082139, 26681312, 26845104, 27616075, 27779110, 28135145; External communication, internal data). It has also been observed to segregate with disease in related individuals. ClinVar contains an entry for this variant (Variation ID: 128068). An algorithm developed to predict the effect of missense changes on protein structure and function (PolyPhen-2) suggests that this variant is likely to be tolerated. Experimental studies have shown that this missense change affects CHEK2 function (PMID: 16835864, 22419737). In summary, the currently available evidence indicates that the variant is pathogenic, but additional data are needed to prove that conclusively. Therefore, this variant has been classified as Likely Pathogenic.

Center for Genomic Medicine, Rigshospitalet, Copenhagen University Hospital
Classification: Uncertain significance. Last evaluated: 2025-12-29. Review status: criteria provided, single submitter. Criteria: ACMG Guidelines, 2015. Collection method: clinical testing. Allele origin: germline.

NM_007194.4(CHEK2):c.190G>A (p.Glu64Lys)

Gene: CHEK2 (checkpoint kinase 2; minus strand). Cytogenetic location: 22q12.1.
Variant type: single nucleotide variant.
Coding change: c.190G>A on transcript NM_007194.4 (MANE Select); coding-DNA position 190, G replaced by A.
Protein change: p.Glu64Lys; replaces glutamic acid 64 with lysine.
Molecular consequence: missense variant.
Genome position (GRCh38, 1-based): chr22:28,734,532, C>T on the plus strand (G>A on the coding strand, the complement: CHEK2 is on the minus strand). VCF-style: chr22-28734532-C-T. GRCh37 (hg19) VCF-style: chr22-29130520-C-T.
Other names: p.E64K:GAG>AAG; c.190G>A, p.Glu64Lys (NM_001005735.3, NM_001349956.3, NM_145862.3); c.-588G>A (NM_001257387.3); short protein forms E64K.
Identifiers: ClinVar variation 128068 (VCV000128068.138), dbSNP rs141568342, ClinGen allele CA288298.